The following is an entry in ClinVar:

ClinVar aggregate classification (germline): Uncertain significance (1 of 4 stars; one submission).

Allele frequency attached by ClinVar (database versions not stated): gnomAD exomes below 0.00001 and 0.00001; gnomAD 0.00001; ExAC 0.00003.
gnomAD v4.1: 7 of 1,567,122 alleles (0.00045%); highest among the groups gnomAD compares: South Asian, 0.0011%; no homozygotes.

Submission:

GeneDx
Classification: Uncertain significance. Last evaluated: 2017-06-29. Review status: criteria provided, single submitter. Criteria: GeneDx Variant Classification (06012015). Collection method: clinical testing. Allele origin: germline. Affected: yes.
Comment: A variant of uncertain significance has been identified in the KIF1BP gene. The c.605+12 T>C variant has not been published as a pathogenic variant, nor has it been reported as a benign variant to our knowledge. The c.605+12 T>C variant is not observed at a significant frequency in large population cohorts (Lek et al., 2016; 1000 Genomes Consortium et al., 2015; Exome Variant Server). Several in-silico splice prediction models predict that c.605+12 T>C may create a cryptic splice donor site which may supplant the natural splice donor site and lead to abnormal gene splicing. However, in the absence of RNA/functional studies, the actual effect of this sequence change in this individual is unknown. Therefore, based on the currently available information, it is unclear whether this variant is a pathogenic variant or a rare benign variant.

NM_015634.4(KIFBP):c.605+12T>C

Gene: KIFBP (kinesin family binding protein; plus strand). Cytogenetic location: 10q22.1.
Variant type: single nucleotide variant.
Coding change: c.605+12T>C on transcript NM_015634.4 (MANE Select); 12 bases into the intron after coding-DNA position 605, T replaced by C.
Molecular consequence: intron variant.
Genome position (GRCh38, 1-based): chr10:69,005,137, T>C. VCF-style: chr10-69005137-T-C. GRCh37 (hg19) VCF-style: chr10-70764893-T-C.
Identifiers: ClinVar variation 450165 (VCV000450165.2), dbSNP rs773626340, ClinGen allele CA5529722.
Genomic context (GRCh38, chr10:69,005,137, plus strand): 5'-GTTTTCTTCCTGAAGAAGAGAAACTTACTGAACAAGAGAGATCAAAAAGGTGAGTAGGTA[T>C]AGAAATCAGCCCTTGCAAATATTTCCACATATCATAGATTAGTGATTGTTCAAAAAGTCA-3'